The following is an entry in ClinVar:

ClinVar aggregate classification (germline): Uncertain significance (1 of 4 stars; one submission).

Allele frequency attached by ClinVar (database versions not stated): gnomAD exomes below 0.00001.
gnomAD v4.1: 1 of 1,613,584 alleles (0.000062%); highest among the groups gnomAD compares: Non-Finnish European, 0.000085%; no homozygotes.

Submission:

Labcorp Genetics (formerly Invitae), Labcorp
Classification: Uncertain significance. Last evaluated: 2022-06-23. Review status: criteria provided, single submitter. Criteria: Invitae Variant Classification Sherloc (09022015). Collection method: clinical testing. Allele origin: germline.
Comment: In summary, the available evidence is currently insufficient to determine the role of this variant in disease. Therefore, it has been classified as a Variant of Uncertain Significance. Experimental studies and prediction algorithms are not available or were not evaluated, and the effect of this variant on mRNA splicing is currently unknown. This variant has not been reported in the literature in individuals affected with THBD-related conditions. This variant is not present in population databases (gnomAD no frequency). This sequence change affects codon 351 of the THBD mRNA. It is a 'silent' change, meaning that it does not change the encoded amino acid sequence of the THBD protein.

NM_000361.3(THBD):c.1053C>T (p.Cys351=)

Gene: THBD (thrombomodulin; minus strand). Cytogenetic location: 20p11.21.
Variant type: single nucleotide variant.
Coding change: c.1053C>T on transcript NM_000361.3 (MANE Select); coding-DNA position 1053, C replaced by T.
Protein change: p.Cys351=; no amino-acid change (cysteine 351 retained).
Molecular consequence: synonymous variant.
Genome position (GRCh38, 1-based): chr20:23,048,452, G>A on the plus strand (C>T on the coding strand, the complement: THBD is on the minus strand). VCF-style: chr20-23048452-G-A. GRCh37 (hg19) VCF-style: chr20-23029089-G-A.
Identifiers: ClinVar variation 2009881 (VCV002009881.4), dbSNP rs2515203971, ClinGen allele CA510160398.